The following is an entry in ClinVar:

ClinVar aggregate classification (germline): Uncertain significance. Review status: criteria provided, multiple submitters, no conflicts (2 of 4 stars). 2 submissions from 2 submitters: Uncertain significance (2). Last evaluated 2026-04-24.

Conditions:
Autosomal recessive limb-girdle muscular dystrophy type 2J (LGMDR10). Also called: Limb-girdle muscular dystrophy, type 2J; MUSCULAR DYSTROPHY, LIMB-GIRDLE, AUTOSOMAL RECESSIVE 10. Identifiers: Orphanet 140922, MedGen C1837342, MONDO:0012127, OMIM 608807.
Dilated cardiomyopathy 1G (CMD1G). Identifiers: Orphanet 154, MedGen C1858763, MONDO:0011400, OMIM 604145.
TTN-related disorder. Also called: TTN-related condition; TTN-related disease; TTN-related disorders.

Allele frequency attached by ClinVar (database versions not stated): TOPMed 0.00001; ExAC 0.00002; gnomAD 0.00002; gnomAD exomes 0.00004.
gnomAD v4.1: 24 of 1,613,138 alleles (0.0015%); highest among the groups gnomAD compares: Admixed American, 0.0083%; no homozygotes.

Submissions (2):

PreventionGenetics, part of Exact Sciences
Classification: Uncertain significance for TTN-related condition. Last evaluated: 2026-04-24. Review status: criteria provided, single submitter. Criteria: ACMG Guidelines, 2015. Collection method: clinical testing. Allele origin: germline.
Comment: The TTN c.20156T>C variant is predicted to result in the amino acid substitution p.Ile6719Thr. To our knowledge, this variant has not been reported in the literature. This variant is reported in 0.014% of alleles in individuals of Latino descent in gnomAD. At this time, the clinical significance of this variant is uncertain due to the absence of conclusive functional and genetic evidence.

Labcorp Genetics (formerly Invitae), Labcorp
Classification: Uncertain significance for Dilated cardiomyopathy 1G; Autosomal recessive limb-girdle muscular dystrophy type 2J. Last evaluated: 2017-04-24. Review status: criteria provided, single submitter. Criteria: Invitae Variant Classification Sherloc (09022015). Collection method: clinical testing. Allele origin: germline.

NM_001267550.2(TTN):c.20156T>C (p.Ile6719Thr)

Genes: TTN (titin; minus strand), LOC126806429 (BRD4-independent group 4 enhancer GRCh37_chr2:179591393-179592592; plus strand). Cytogenetic location: 2q31.2.
Variant type: single nucleotide variant.
Coding change: c.20156T>C on transcript NM_001267550.2 (MANE Select); coding-DNA position 20156, T replaced by C.
Protein change: p.Ile6719Thr; replaces isoleucine 6719 with threonine.
Molecular consequence: missense variant. On other transcripts: intron variant (3).
Genome position (GRCh38, 1-based): chr2:178,727,209, A>G on the plus strand (T>C on the coding strand, the complement: TTN is on the minus strand). VCF-style: chr2-178727209-A-G. GRCh37 (hg19) VCF-style: chr2-179591936-A-G.
Other names: c.19205T>C, p.Ile6402Thr (NM_001256850.1); c.16424T>C, p.Ile5475Thr (NM_133378.4); c.13282+10873T>C (NM_003319.4); c.13858+10873T>C (NM_133437.4); c.13657+10873T>C (NM_133432.3); short protein forms I6719T, I6402T, I5475T.
Identifiers: ClinVar variation 466875 (VCV000466875.4), dbSNP rs770377168, ClinGen allele CA2001259.